The following is an entry in ClinVar:

ClinVar aggregate classification (germline): Pathogenic/Likely pathogenic. Review status: criteria provided, multiple submitters, no conflicts (2 of 4 stars). 2 submissions from 2 submitters: Pathogenic (1); Likely pathogenic (1). Last evaluated 2025-08-19.

Conditions:
SKIN/HAIR/EYE PIGMENTATION 1, BLUE/NONBLUE EYES (SHEP1). Also called: BROWN EYE COLOR 2; EYE COLOR 3; EYE COLOR, BLUE/NONBLUE; EYE COLOR, BROWN/BLUE; HAIR COLOR 3; SKIN/HAIR/EYE PIGMENTATION 1, BLOND/BROWN HAIR. Identifiers: MedGen C1856895, OMIM 227220.

Submissions (2):

Labcorp Genetics (formerly Invitae), Labcorp
Classification: Pathogenic. Last evaluated: 2025-08-19. Review status: criteria provided, single submitter. Criteria: Invitae Variant Classification Sherloc (09022015). Collection method: clinical testing. Allele origin: germline.
Comment: This sequence change creates a premature translational stop signal (p.Asp486Thrfs*13) in the OCA2 gene. It is expected to result in an absent or disrupted protein product. Loss-of-function variants in OCA2 are known to be pathogenic (PMID: 19865097, 21541274). This variant is not present in population databases (gnomAD no frequency). This variant has not been reported in the literature in individuals affected with OCA2-related conditions. ClinVar contains an entry for this variant (Variation ID: 3239992). For these reasons, this variant has been classified as Pathogenic.

Baylor Genetics
Classification: Likely pathogenic for SKIN/HAIR/EYE PIGMENTATION 1, BLUE/NONBLUE EYES. Last evaluated: 2024-03-21. Review status: criteria provided, single submitter. Criteria: ACMG Guidelines, 2015. Collection method: clinical testing. Allele origin: unknown.

Literature cited by the submitters: PubMed 19865097 (cited by Labcorp Genetics (formerly Invitae), Labcorp); PubMed 21541274 (cited by Labcorp Genetics (formerly Invitae), Labcorp).

NM_000275.3(OCA2):c.1456del (p.Asp486fs)

Gene: OCA2 (OCA2 melanosomal transmembrane protein; minus strand). Cytogenetic location: 15q13.1.
Variant type: Deletion.
Coding change: c.1456del on transcript NM_000275.3 (MANE Select); coding-DNA position 1456, one base deleted (G; older notation c.1456delG).
Protein change: p.Asp486fs; shifts the reading frame from aspartic acid 486.
Molecular consequence: frameshift variant.
Genome position (GRCh38, 1-based): chr15:27,983,392, C deleted on the plus strand (G on the coding strand, the reverse complement: OCA2 is on the minus strand); the first of 4 consecutive C bases (chr15:27,983,392-27,983,395); deleting any one gives the same sequence. VCF-style (leftmost placement, unchanged base first): chr15-27983391-TC-T. GRCh37 (hg19) VCF-style: chr15-28228537-TC-T.
Other names: c.1384del, p.Asp462fs (NM_001300984.2); short protein forms D462fs, D486fs.
Identifiers: ClinVar variation 3239992 (VCV003239992.2), dbSNP rs2548339012.